The following is an entry in ClinVar:

NM_001844.5(COL2A1):c.195C>T (p.Asp65=)

Gene: COL2A1 (collagen type II alpha 1 chain; minus strand). Cytogenetic location: 12q13.11.
Variant type: single nucleotide variant.
Coding change: c.195C>T on transcript NM_001844.5 (MANE Select); coding-DNA position 195, C replaced by T.
Protein change: p.Asp65=; no amino-acid change (aspartic acid 65 retained).
Molecular consequence: synonymous variant. On other transcripts: intron variant (1).
Genome position (GRCh38, 1-based): chr12:48,000,016, G>A on the plus strand (C>T on the coding strand, the complement: COL2A1 is on the minus strand). VCF-style: chr12-48000016-G-A. GRCh37 (hg19) VCF-style: chr12-48393799-G-A.
Other names: c.86-1585C>T (NM_033150.3).
Identifiers: ClinVar variation 284038 (VCV000284038.54), dbSNP rs202210896, ClinGen allele CA6536076.

ClinVar aggregate classification (germline): Conflicting classifications of pathogenicity. Review status: criteria provided, conflicting classifications (1 of 4 stars). 11 submissions from 10 submitters: Uncertain significance (2); Benign (3); Likely benign (5). 1 of the submissions does not count toward it. Last evaluated 2026-02-02.

Conditions:
COL2A1-related disorder. Also called: COL2A1-related condition; COL2A1-related disorders.
Connective tissue disorder. Also called: Connective tissue disease. Identifiers: MedGen C0009782, MONDO:0003900.
Type 2 collagenopathy. Identifiers: Orphanet 93421, MedGen C2931073, MONDO:0022800.
Stickler syndrome type 1 (STL1). Also called: ARTHROOPHTHALMOPATHY, HEREDITARY PROGRESSIVE; STICKLER SYNDROME, MEMBRANOUS VITREOUS TYPE; STICKLER SYNDROME, VITREOUS TYPE 1; COL2A1-Related Stickler Syndrome. Identifiers: Orphanet 828, Orphanet 90653, MedGen C2020284, MONDO:0007160, OMIM 108300.

Allele frequency attached by ClinVar (database versions not stated): 1000 Genomes Project 30x 0.00016; gnomAD exomes 0.00035 and 0.00106; ExAC 0.00041; gnomAD 0.00050 and 0.00056; TOPMed 0.00054; ESP Exome Variant Server 0.00079.
gnomAD v4.1: 1,604 of 1,613,934 alleles (0.099%); highest among the groups gnomAD compares: Non-Finnish European, 0.13%; 1 homozygote.

Submissions (11):

Labcorp Genetics (formerly Invitae), Labcorp
Classification: Likely benign. Last evaluated: 2026-02-02. Review status: criteria provided, single submitter. Criteria: Invitae Variant Classification Sherloc (09022015). Collection method: clinical testing. Allele origin: germline.

Women's Health and Genetics/Laboratory Corporation of America, LabCorp
Classification: Benign. Last evaluated: 2025-02-04. Review status: criteria provided, single submitter. Criteria: LabCorp Variant Classification Summary - May 2015. Collection method: clinical testing. Allele origin: germline.

Blueprint Genetics
Classification: Benign. Last evaluated: 2024-10-16. Review status: criteria provided, single submitter. Criteria: ACMG Guidelines, 2015. Collection method: clinical testing. Allele origin: germline.

CeGaT Center for Human Genetics Tuebingen
Classification: Likely benign. Last evaluated: 2022-12-01. Review status: criteria provided, single submitter. Criteria: CeGaT Center For Human Genetics Tuebingen Variant Classification Criteria Version 2. Collection method: clinical testing. Allele origin: germline. Affected: yes. Observed: 1 variant allele.
Comment: COL2A1: BP4, BP7

GeneDx
Classification: Likely benign. Last evaluated: 2020-12-24. Review status: criteria provided, single submitter. Criteria: GeneDx Variant Classification Process June 2021. Collection method: clinical testing. Allele origin: germline. Affected: yes.

ARUP Laboratories, Molecular Genetics and Genomics, ARUP Laboratories
Classification: Likely benign. Last evaluated: 2020-03-24. Review status: criteria provided, single submitter. Criteria: ARUP Molecular Germline Variant Investigation Process. Collection method: clinical testing. Allele origin: germline.

Eurofins Ntd Llc (ga)
Classification: Uncertain significance. Last evaluated: 2017-10-20. Review status: criteria provided, single submitter. Criteria: EGL Classification Definitions 2015. Collection method: clinical testing. Allele origin: germline. Observed: 3 variant alleles, 3 heterozygotes.

Illumina Laboratory Services, Illumina
Classification: Uncertain significance for Stickler syndrome type 1. Last evaluated: 2017-04-27. Review status: criteria provided, single submitter. Criteria: ICSL Variant Classification Criteria 13 December 2019. Collection method: clinical testing. Allele origin: germline.

Illumina Laboratory Services, Illumina
Classification: Benign for Type II Collagenopathies. Last evaluated: 2017-04-27. Review status: criteria provided, single submitter. Criteria: ICSL Variant Classification Criteria 13 December 2019. Collection method: clinical testing. Allele origin: germline.
Comment: This variant was observed as part of a predisposition screen in an ostensibly healthy population. A literature search was performed for the gene, cDNA change, and amino acid change (where applicable). No publications were found based on this search. Allele frequency data from public databases was too high to be consistent with this variant causing disease. Therefore, this variant is classified as benign.

Center for Human Genetics, Inc
Classification: Likely benign for Connective tissue disorder. Last evaluated: 2016-11-01. Review status: criteria provided, single submitter. Criteria: ACMG Guidelines, 2015. Collection method: clinical testing. Allele origin: germline. Affected: yes.

PreventionGenetics, part of Exact Sciences
Classification: Likely benign for COL2A1-related condition. Last evaluated: 2019-06-18. Review status: no assertion criteria provided. Collection method: clinical testing. Allele origin: germline. Not counted in ClinVar's aggregate classification.
Comment: This variant is classified as likely benign based on ACMG/AMP sequence variant interpretation guidelines (Richards et al. 2015 PMID: 25741868, with internal and published modifications).